The following is an entry in ClinVar:

ClinVar aggregate classification (germline): Likely pathogenic (1 of 4 stars; one submission).

Conditions:
Intellectual developmental disorder, autosomal dominant 50, with behavioral abnormalities. Also called: MENTAL RETARDATION, AUTOSOMAL DOMINANT 50; Intellectual disability, autosomal dominant 50. Identifiers: MedGen C4540470, MONDO:0030916, OMIM 617787.

Submission:

Molecular Genetics Laboratory, Motol Hospital
Classification: Likely pathogenic for Intellectual developmental disorder, autosomal dominant 50, with behavioral abnormalities. Last evaluated: 2025-02-21. Review status: criteria provided, single submitter. Criteria: ACMG Guidelines, 2015. Collection method: clinical testing. Allele origin: germline. Affected: yes. Observed: 1 variant allele.
Comment: This missense variant was recently described as likely pathogenic de novo variant in a child with autism spectrum disorder (PMID:39825710). The functional analysis suggested impaired neurite growth (impaired development of neurons and synapses) (PMID:39825710). Rare variants in the NAA15 gene are well-known cause of autosomal dominant "intellectual developmental disorder with behavioral abnormalities, type 50" (MIM:617787). The variant NM_057175.5(NAA15):c.74A>C, p.(Gln25Pro) is classified as likely pathogenic (ACMG PM2, PP2, PP3, PP5, PS3).

Literature cited by the submitters: PubMed 39825710.

NM_057175.5(NAA15):c.74A>C (p.Gln25Pro)

Gene: NAA15 (N-alpha-acetyltransferase 15, NatA auxiliary subunit; plus strand). Cytogenetic location: 4q31.1.
Variant type: single nucleotide variant.
Coding change: c.74A>C on transcript NM_057175.5 (MANE Select); coding-DNA position 74, A replaced by C.
Protein change: p.Gln25Pro; replaces glutamine 25 with proline.
Molecular consequence: missense variant.
Genome position (GRCh38, 1-based): chr4:139,334,193, A>C. VCF-style: chr4-139334193-A-C. GRCh37 (hg19) VCF-style: chr4-140255347-A-C.
Other names: c.74A>C, p.Gln25Pro (NM_001410842.1); short protein forms Q25P.
Identifiers: ClinVar variation 3766445 (VCV003766445.2).